The following is an entry in ClinVar:

NM_005827.4(SLC35B1):c.-107G>A

Gene: SLC35B1 (solute carrier family 35 member B1; minus strand). Cytogenetic location: 17q21.33.
Variant type: single nucleotide variant.
Coding change: c.-107G>A on transcript NM_005827.4 (MANE Select); 107 bases upstream of the start codon, G replaced by A.
Molecular consequence: 5 prime UTR variant.
Genome position (GRCh38, 1-based): chr17:49,707,940, C>T on the plus strand (G>A on the coding strand, the complement: SLC35B1 is on the minus strand). VCF-style: chr17-49707940-C-T. GRCh37 (hg19) VCF-style: chr17-47785302-C-T.
Other names: c.-283G>A (NM_001278784.2).
Identifiers: ClinVar variation 3043947 (VCV003043947.2), dbSNP rs140605051, ClinGen allele CA8639636.

ClinVar aggregate classification (germline): Likely benign (0 of 4 stars; one submission).

Conditions:
SLC35B1-related disorder. Also called: SLC35B1-related condition.

Allele frequency attached by ClinVar (database versions not stated): 1000 Genomes Project 30x 0.00062; 1000 Genomes Project 0.00080; ExAC 0.00122; TOPMed 0.00132; gnomAD 0.00134; gnomAD exomes 0.00202.
gnomAD v4.1: 3,055 of 1,556,430 alleles (0.2%); highest among the groups gnomAD compares: Non-Finnish European, 0.25%; 6 homozygotes.

Submission:

PreventionGenetics, part of Exact Sciences
Classification: Likely benign for SLC35B1-related condition. Last evaluated: 2022-06-08. Review status: no assertion criteria provided. Collection method: clinical testing. Allele origin: germline.
Comment: This variant is classified as likely benign based on ACMG/AMP sequence variant interpretation guidelines (Richards et al. 2015 PMID: 25741868, with internal and published modifications).